The following is an entry in ClinVar:

ClinVar aggregate classification (germline): Likely benign (1 of 4 stars; one submission).

Allele frequency attached by ClinVar (database versions not stated): gnomAD 0.00001; TOPMed 0.00002; gnomAD exomes 0.00003; 1000 Genomes Project 30x 0.00016.
gnomAD v4.1: 38 of 1,551,424 alleles (0.0024%); highest among the groups gnomAD compares: South Asian, 0.006%; no homozygotes.

Submission:

CeGaT Center for Human Genetics Tuebingen
Classification: Likely benign. Last evaluated: 2023-04-01. Review status: criteria provided, single submitter. Criteria: CeGaT Center For Human Genetics Tuebingen Variant Classification Criteria Version 2. Collection method: clinical testing. Allele origin: germline. Affected: yes. Observed: 1 variant allele.
Comment: URB1: BP4, BP7

NM_014825.3(URB1):c.4602C>T (p.Gly1534=)

Gene: URB1 (URB1 ribosome biogenesis factor; minus strand). Cytogenetic location: 21q22.11.
Variant type: single nucleotide variant.
Coding change: c.4602C>T on transcript NM_014825.3 (MANE Select); coding-DNA position 4602, C replaced by T.
Protein change: p.Gly1534=; no amino-acid change (glycine 1534 retained).
Molecular consequence: synonymous variant.
Genome position (GRCh38, 1-based): chr21:32,337,423, G>A on the plus strand (C>T on the coding strand, the complement: URB1 is on the minus strand). VCF-style: chr21-32337423-G-A. GRCh37 (hg19) VCF-style: chr21-33709732-G-A.
Identifiers: ClinVar variation 2652597 (VCV002652597.24), dbSNP rs1470553166, ClinGen allele CA512131140.
Genomic context (GRCh38, chr21:32,337,423, plus strand): 5'-TCCCTCCCCCTGCTCACACTACCCAGCCCTCACACCCTCACCTAGGACGCTGAGAGTGGC[G>A]CCATAGGCCCCGAGAAGCACTGCAAAGTGGCTGCTCTCACAGACAGAGGGGCACATCTCC-3'
Protein context (NP_055640.2, residues 1524-1544): SHFAVLLGAY[Gly1534=]ATLSVLDQKI